The following is an entry in ClinVar:

NM_000388.4(CASR):c.583dup (p.Thr195fs)

Gene: CASR (calcium sensing receptor; plus strand). Cytogenetic location: 3q21.1.
Variant type: Duplication.
Coding change: c.583dup on transcript NM_000388.4 (MANE Select); coding-DNA position 583, one base duplicated (A; older notation c.583dupA).
Protein change: p.Thr195fs; shifts the reading frame from threonine 195.
Molecular consequence: frameshift variant.
Genome position (GRCh38, 1-based): chr3:122,261,618, A duplicated. VCF-style (leftmost placement, unchanged base first): chr3-122261617-C-CA. GRCh37 (hg19) VCF-style: chr3-121980464-C-CA.
Other names: c.583dup, p.Thr195fs (NM_001178065.2); short protein forms T195fs.
Identifiers: ClinVar variation 5038252 (VCV005038252.1).

ClinVar aggregate classification (germline): Pathogenic (1 of 4 stars; one submission).

Conditions:
Familial hypocalciuric hypercalcemia 1. Also called: Hypercalcemia, familial benign type 1. Identifiers: Orphanet 405, Orphanet 93372, MedGen C0342637, MONDO:0007791, OMIM 145980.

Submission:

MVZ Medizinische Genetik Mainz
Classification: Pathogenic for Familial hypocalciuric hypercalcemia 1. Last evaluated: 2026-09-15. Review status: criteria provided, single submitter. Criteria: UK Practice Guidelines For Variant Classification V4 01 2020. Collection method: clinical testing. Allele origin: germline. Inheritance: Autosomal dominant inheritance. Affected: yes. Observed: 1 variant allele.
Comment: ACMG Criteria: PVS1,PM2_SUP,PP4